The following is an entry in ClinVar:

NM_001283009.2(RTEL1):c.891G>A (p.Pro297=)

Genes: RTEL1 (regulator of telomere elongation helicase 1; plus strand), RTEL1-TNFRSF6B (RTEL1-TNFRSF6B readthrough (NMD candidate); plus strand). Cytogenetic location: 20q13.33.
Variant type: single nucleotide variant.
Coding change: c.891G>A on transcript NM_001283009.2 (MANE Select); coding-DNA position 891, G replaced by A.
Protein change: p.Pro297=; no amino-acid change (proline 297 retained).
Molecular consequence: synonymous variant. On other transcripts: non-coding transcript variant (1).
Genome position (GRCh38, 1-based): chr20:63,674,065, G>A. VCF-style: chr20-63674065-G-A. GRCh37 (hg19) VCF-style: chr20-62305418-G-A.
Other names: c.222G>A, p.Pro74= (NM_001283010.1); c.891G>A, p.Pro297= (NM_016434.4); c.963G>A, p.Pro321= (NM_032957.5); c.963G>A (NM_032957.4).
Identifiers: ClinVar variation 1136064 (VCV001136064.12), dbSNP rs771117146, ClinGen allele CA9964475.
Genomic context (GRCh38, chr20:63,674,065, plus strand): 5'-CGTCATAGACCAGGTGCTGGAGGAGCAGACCAAGGCAGCGCAGCAGGGTGAGCCCCACCC[G>A]GAGTTCAGCGCGGACTCCCCCAGCCCAGGTGCGTTCATAGCCAGACTGCTTGGTCCTGAG-3'
Protein context (NP_001269938.1, residues 287-307): TKAAQQGEPH[Pro297=]EFSADSPSPG

ClinVar aggregate classification (germline): Likely benign. Review status: criteria provided, multiple submitters, no conflicts (2 of 4 stars). 3 submissions from 3 submitters: Likely benign (2). 1 of the submissions does not count toward it. Last evaluated 2025-07-30.

Conditions:
RTEL1-related disorder. Also called: RTEL1-related condition; RTEL1-related disorders.
Pulmonary fibrosis and/or bone marrow failure, Telomere-related, 3. Also called: PULMONARY FIBROSIS AND/OR BONE MARROW FAILURE SYNDROME, TELOMERE-RELATED, 3. Identifiers: Orphanet 2032, MedGen C4225346, MONDO:0014613, OMIM 616373.
Dyskeratosis congenita, autosomal recessive 5 (DKCB5). Identifiers: MedGen C3554656, MONDO:0014076, OMIM 615190.

Allele frequency attached by ClinVar (database versions not stated): ExAC 0.00002; gnomAD exomes 0.00003; gnomAD 0.00010 and 0.00011; TOPMed 0.00014.
gnomAD v4.1: 56 of 1,613,130 alleles (0.0035%); highest among the groups gnomAD compares: African/African-American, 0.036%; no homozygotes.

Submissions (3):

Labcorp Genetics (formerly Invitae), Labcorp
Classification: Likely benign for Dyskeratosis congenita, autosomal recessive 5; Pulmonary fibrosis and/or bone marrow failure, Telomere-related, 3. Last evaluated: 2025-07-30. Review status: criteria provided, single submitter. Criteria: Invitae Variant Classification Sherloc (09022015). Collection method: clinical testing. Allele origin: germline.

Blueprint Genetics
Classification: Likely benign. Last evaluated: 2023-12-08. Review status: criteria provided, single submitter. Criteria: ACMG Guidelines, 2015. Collection method: clinical testing. Allele origin: germline.

PreventionGenetics, part of Exact Sciences
Classification: Likely benign for RTEL1-related condition. Last evaluated: 2022-11-22. Review status: no assertion criteria provided. Collection method: clinical testing. Allele origin: germline. Not counted in ClinVar's aggregate classification.
Comment: This variant is classified as likely benign based on ACMG/AMP sequence variant interpretation guidelines (Richards et al. 2015 PMID: 25741868, with internal and published modifications).